The following is an entry in ClinVar:

NM_015072.5(TTLL5):c.490G>A (p.Ala164Thr)

Gene: TTLL5 (tubulin tyrosine ligase like 5; plus strand). Cytogenetic location: 14q24.3.
Variant type: single nucleotide variant.
Coding change: c.490G>A on transcript NM_015072.5 (MANE Select); coding-DNA position 490, G replaced by A.
Protein change: p.Ala164Thr; replaces alanine 164 with threonine.
Molecular consequence: missense variant.
Genome position (GRCh38, 1-based): chr14:75,690,310, G>A. VCF-style: chr14-75690310-G-A. GRCh37 (hg19) VCF-style: chr14-76156653-G-A.
Other names: c.490G>A (NM_015072.4); short protein forms A164T.
Identifiers: ClinVar variation 1151174 (VCV001151174.12), dbSNP rs143151165, ClinGen allele CA7278938.

ClinVar aggregate classification (germline): Conflicting classifications of pathogenicity. Review status: criteria provided, conflicting classifications (1 of 4 stars). 3 submissions from 3 submitters: Uncertain significance (1); Likely benign (1). 1 of the submissions does not count toward it. Last evaluated 2025-12-01.

Conditions:
TTLL5-related disorder. Also called: TTLL5-related condition.

Allele frequency attached by ClinVar (database versions not stated): gnomAD exomes 0.00014; gnomAD 0.00053; ESP Exome Variant Server 0.00069; 1000 Genomes Project 30x 0.00078.
gnomAD v4.1: 167 of 1,606,436 alleles (0.01%); highest among the groups gnomAD compares: African/African-American, 0.2%; 1 homozygote.

Submissions (3):

Labcorp Genetics (formerly Invitae), Labcorp
Classification: Likely benign. Last evaluated: 2025-12-01. Review status: criteria provided, single submitter. Criteria: Invitae Variant Classification Sherloc (09022015). Collection method: clinical testing. Allele origin: germline.

Blueprint Genetics
Classification: Uncertain significance. Last evaluated: 2023-03-29. Review status: criteria provided, single submitter. Criteria: ACMG Guidelines, 2015. Collection method: clinical testing. Allele origin: germline.

PreventionGenetics, part of Exact Sciences
Classification: Likely benign for TTLL5-related condition. Last evaluated: 2022-01-27. Review status: no assertion criteria provided. Collection method: clinical testing. Allele origin: germline. Not counted in ClinVar's aggregate classification.
Comment: This variant is classified as likely benign based on ACMG/AMP sequence variant interpretation guidelines (Richards et al. 2015 PMID: 25741868, with internal and published modifications).